The following is an entry in ClinVar:

ClinVar aggregate classification (germline): Uncertain significance. Review status: criteria provided, multiple submitters, no conflicts (2 of 4 stars). 2 submissions from 2 submitters: Uncertain significance (2). Last evaluated 2024-02-06.

Conditions:
Inborn genetic diseases. Identifiers: MedGen C0950123, MeSH D030342.

Allele frequency attached by ClinVar (database versions not stated): gnomAD exomes below 0.00001.
gnomAD v4.1: 1 of 1,614,146 alleles (0.000062%); highest among the groups gnomAD compares: Non-Finnish European, 0.000085%; no homozygotes.

Submissions (2):

Labcorp Genetics (formerly Invitae), Labcorp
Classification: Uncertain significance. Last evaluated: 2024-02-06. Review status: criteria provided, single submitter. Criteria: Invitae Variant Classification Sherloc (09022015). Collection method: clinical testing. Allele origin: germline.
Comment: This sequence change replaces lysine, which is basic and polar, with arginine, which is basic and polar, at codon 137 of the ADAMTS18 protein (p.Lys137Arg). This variant is not present in population databases (gnomAD no frequency). This variant has not been reported in the literature in individuals affected with ADAMTS18-related conditions. ClinVar contains an entry for this variant (Variation ID: 2269286). An algorithm developed to predict the effect of missense changes on protein structure and function (PolyPhen-2) suggests that this variant is likely to be tolerated. In summary, the available evidence is currently insufficient to determine the role of this variant in disease. Therefore, it has been classified as a Variant of Uncertain Significance.

Ambry Genetics
Classification: Uncertain significance for Inborn genetic diseases. Last evaluated: 2022-01-04. Review status: criteria provided, single submitter. Criteria: Ambry Variant Classification Scheme 2023. Collection method: clinical testing. Allele origin: germline.

NM_199355.4(ADAMTS18):c.410A>G (p.Lys137Arg)

Gene: ADAMTS18 (ADAM metallopeptidase with thrombospondin type 1 motif 18; minus strand). Cytogenetic location: 16q23.1.
Variant type: single nucleotide variant.
Coding change: c.410A>G on transcript NM_199355.4 (MANE Select); coding-DNA position 410, A replaced by G.
Protein change: p.Lys137Arg; replaces lysine 137 with arginine.
Molecular consequence: missense variant. On other transcripts: 5 prime UTR variant (1).
Genome position (GRCh38, 1-based): chr16:77,431,380, T>C on the plus strand (A>G on the coding strand, the complement: ADAMTS18 is on the minus strand). VCF-style: chr16-77431380-T-C. GRCh37 (hg19) VCF-style: chr16-77465277-T-C.
Other names: c.-111A>G (NM_001326358.2); short protein forms K137R.
Identifiers: ClinVar variation 2269286 (VCV002269286.4), dbSNP rs2057737658, ClinGen allele CA396851162.